The following is an entry in ClinVar:

ClinVar aggregate classification (germline): Uncertain significance (1 of 4 stars; one submission).

Conditions:
Joubert syndrome. Also called: JOUBERT-BOLTSHAUSER SYNDROME; Familial aplasia of the vermis. Identifiers: Orphanet 475, MedGen C5979921, MONDO:0018772.
Meckel-Gruber syndrome. Also called: DYSENCEPHALIA SPLANCHNOCYSTICA; GRUBER SYNDROME; Dysencephalia splachnocystica. Identifiers: Orphanet 564, MedGen C0265215, MONDO:0018921.

Submission:

Labcorp Genetics (formerly Invitae), Labcorp
Classification: Uncertain significance for Joubert syndrome; Meckel-Gruber syndrome. Last evaluated: 2022-07-05. Review status: criteria provided, single submitter. Criteria: Invitae Variant Classification Sherloc (09022015). Collection method: clinical testing. Allele origin: germline.
Comment: In summary, the available evidence is currently insufficient to determine the role of this variant in disease. Therefore, it has been classified as a Variant of Uncertain Significance. Algorithms developed to predict the effect of missense changes on protein structure and function output the following: SIFT: "Deleterious"; PolyPhen-2: "Benign"; Align-GVGD: "Class C0". The threonine amino acid residue is found in multiple mammalian species, which suggests that this missense change does not adversely affect protein function. This missense change has been observed in individual(s) with Joubert syndrome (Invitae). This variant is not present in population databases (gnomAD no frequency). This sequence change replaces methionine, which is neutral and non-polar, with threonine, which is neutral and polar, at codon 1387 of the CC2D2A protein (p.Met1387Thr).

NM_001378615.1(CC2D2A):c.4160T>C (p.Met1387Thr)

Genes: CC2D2A (coiled-coil and C2 domain containing 2A; plus strand), FBXL5 (F-box and leucine rich repeat protein 5; minus strand). Cytogenetic location: 4p15.32.
Variant type: single nucleotide variant.
Coding change: c.4160T>C on transcript NM_001378615.1 (MANE Select); coding-DNA position 4160, T replaced by C.
Protein change: p.Met1387Thr; replaces methionine 1387 with threonine.
Molecular consequence: missense variant.
Genome position (GRCh38, 1-based): chr4:15,587,910, T>C. VCF-style: chr4-15587910-T-C. GRCh37 (hg19) VCF-style: chr4-15589533-T-C.
Other names: c.4160T>C, p.Met1387Thr (NM_001080522.2); c.4013T>C, p.Met1338Thr (NM_001378617.1); short protein forms M1338T, M1387T.
Identifiers: ClinVar variation 2100363 (VCV002100363.4), dbSNP rs2109090368, ClinGen allele CA356429267.